The following is an entry in ClinVar:

ClinVar aggregate classification (germline): Uncertain significance (1 of 4 stars; one submission).

Submission:

Labcorp Genetics (formerly Invitae), Labcorp
Classification: Uncertain significance. Last evaluated: 2020-12-09. Review status: criteria provided, single submitter. Criteria: Invitae Variant Classification Sherloc (09022015). Collection method: clinical testing. Allele origin: germline.
Comment: In summary, the available evidence is currently insufficient to determine the role of this variant in disease. Therefore, it has been classified as a Variant of Uncertain Significance. Algorithms developed to predict the effect of missense changes on protein structure and function are either unavailable or do not agree on the potential impact of this missense change (SIFT: "Tolerated"; PolyPhen-2: "Not Available"; Align-GVGD: "Class C0"). This variant has not been reported in the literature in individuals with TMC1-related conditions. This variant is not present in population databases (ExAC no frequency). This sequence change replaces glutamic acid with glycine at codon 12 of the TMC1 protein (p.Glu12Gly). The glutamic acid residue is weakly conserved and there is a moderate physicochemical difference between glutamic acid and glycine.

NM_138691.3(TMC1):c.35A>G (p.Glu12Gly)

Gene: TMC1 (transmembrane channel like 1; plus strand). Cytogenetic location: 9q21.13.
Variant type: single nucleotide variant.
Coding change: c.35A>G on transcript NM_138691.3 (MANE Select); coding-DNA position 35, A replaced by G.
Protein change: p.Glu12Gly; replaces glutamic acid 12 with glycine.
Molecular consequence: missense variant.
Genome position (GRCh38, 1-based): chr9:72,688,727, A>G. VCF-style: chr9-72688727-A-G. GRCh37 (hg19) VCF-style: chr9-75303643-A-G.
Other names: short protein forms E12G.
Identifiers: ClinVar variation 1355042 (VCV001355042.8), dbSNP rs2132183942, ClinGen allele CA373723182.
Genomic context (GRCh38, chr9:72,688,727, plus strand): 5'-AGGCATTTAAATAATTGCTGTACTGTTTTCTTTCCTCAACAGTACAAATCAAAGTGGAGG[A>G]AAAAGAAGACGAGACTGAGGAAAGCTCAAGTAAGTGGTGATGGGCCACTTGGGATACATT-3'
Protein context (NP_619636.2, residues 2-22): SPKKVQIKVE[Glu12Gly]KEDETEESSS